The following is an entry in ClinVar:

ClinVar aggregate classification (germline): Uncertain significance. Review status: criteria provided, multiple submitters, no conflicts (2 of 4 stars). 2 submissions from 2 submitters: Uncertain significance (2). Last evaluated 2023-03-23.

Conditions:
Inborn genetic diseases. Identifiers: MedGen C0950123, MeSH D030342.

Allele frequency attached by ClinVar (database versions not stated): TOPMed 0.00001; gnomAD 0.00006.
gnomAD v4.1: 9 of 1,613,918 alleles (0.00056%); highest among the groups gnomAD compares: East Asian, 0.02%; no homozygotes.

Submissions (2):

Ambry Genetics
Classification: Uncertain significance for Inborn genetic diseases. Last evaluated: 2023-03-23. Review status: criteria provided, single submitter. Criteria: Ambry Variant Classification Scheme 2023. Collection method: clinical testing. Allele origin: germline.

Laboratory for Molecular Medicine, Mass General Brigham Personalized Medicine
Classification: Uncertain significance. Last evaluated: 2017-01-12. Review status: criteria provided, single submitter. Criteria: LMM Criteria. Collection method: clinical testing. Allele origin: germline. Observed: 1 variant allele.
Comment: Variant classified as Uncertain Significance - Favor Benign. The p.Leu1003Phe va riant in MYO3A has not been previously reported in individuals with hearing loss , but has been identified in 8/18936 East Asian chromosomes by the Genome Aggreg ation Database (gnomAD; dbSNP rs776675167). Le ucine (Leu) at position 1003 is not conserved in mammals or evolutionarily dista nt species and 3 species (parrot, scarlet macaw, and painted turtle) carry a phe nylalanine (Phe) at this position, raising the possibility that this change may be tolerated. Additional computational prediction tools suggest that the variant may not impact the protein, though this information is not predictive enough to rule out pathogenicity. In summary, while the clinical significance of the p.Le u1003Phe variant is uncertain, these data suggest that it is more likely to be b enign.

NM_017433.5(MYO3A):c.3007C>T (p.Leu1003Phe)

Gene: MYO3A (myosin IIIA; plus strand). Cytogenetic location: 10p12.1.
Variant type: single nucleotide variant.
Coding change: c.3007C>T on transcript NM_017433.5 (MANE Select); coding-DNA position 3007, C replaced by T.
Protein change: p.Leu1003Phe; replaces leucine 1003 with phenylalanine.
Molecular consequence: missense variant.
Genome position (GRCh38, 1-based): chr10:26,166,074, C>T. VCF-style: chr10-26166074-C-T. GRCh37 (hg19) VCF-style: chr10-26455003-C-T.
Other names: short protein forms L1003F.
Identifiers: ClinVar variation 505523 (VCV000505523.6), dbSNP rs776675167, ClinGen allele CA5445133.